The following is an entry in ClinVar:

ClinVar aggregate classification (germline): Uncertain significance (1 of 4 stars; one submission).

gnomAD v4.1: 3 of 1,551,242 alleles (0.00019%); highest among the groups gnomAD compares: African/African-American, 0.0014%; no homozygotes.

Submission:

Labcorp Genetics (formerly Invitae), Labcorp
Classification: Uncertain significance. Last evaluated: 2022-07-07. Review status: criteria provided, single submitter. Criteria: Invitae Variant Classification Sherloc (09022015). Collection method: clinical testing. Allele origin: germline.
Comment: In summary, the available evidence is currently insufficient to determine the role of this variant in disease. Therefore, it has been classified as a Variant of Uncertain Significance. Algorithms developed to predict the effect of missense changes on protein structure and function (SIFT, PolyPhen-2, Align-GVGD) all suggest that this variant is likely to be disruptive. This variant has not been reported in the literature in individuals affected with DTHD1-related conditions. This variant is present in population databases (rs758028678, gnomAD 0.01%). This sequence change replaces glycine, which is neutral and non-polar, with valine, which is neutral and non-polar, at codon 300 of the DTHD1 protein (p.Gly300Val).

NM_001170700.3(DTHD1):c.1769G>T (p.Gly590Val)

Gene: DTHD1 (death domain containing 1; plus strand). Cytogenetic location: 4p14.
Variant type: single nucleotide variant.
Coding change: c.1769G>T on transcript NM_001170700.3 (MANE Select); coding-DNA position 1769, G replaced by T.
Protein change: p.Gly590Val; replaces glycine 590 with valine.
Molecular consequence: missense variant. On other transcripts: non-coding transcript variant (2).
Genome position (GRCh38, 1-based): chr4:36,306,316, G>T. VCF-style: chr4-36306316-G-T. GRCh37 (hg19) VCF-style: chr4-36307938-G-T.
Other names: c.899G>T, p.Gly300Val (NM_001136536.5); c.836G>T, p.Gly279Val (NM_001378435.1); short protein forms G279V, G590V, G300V.
Identifiers: ClinVar variation 1953794 (VCV001953794.5), dbSNP rs758028678, ClinGen allele CA95782234.